The following is an entry in ClinVar:

ClinVar aggregate classification (germline): Likely pathogenic. Review status: criteria provided, single submitter (1 of 4 stars). 2 submissions from 2 submitters: Likely pathogenic (1). 1 of the submissions does not count toward it. Last evaluated 2019-02-01.

Conditions:
Gray platelet syndrome (GPS). Also called: BLEEDING DISORDER, PLATELET-TYPE, 4. Identifiers: Orphanet 721, MedGen C0272302, MONDO:0007686, OMIM 139090.

Allele frequency attached by ClinVar (database versions not stated): gnomAD exomes 0.00001.

Submissions (2):

NIHR Bioresource Rare Diseases, University of Cambridge
Classification: Likely pathogenic for Gray platelet syndrome. Last evaluated: 2019-02-01. Review status: criteria provided, single submitter. Criteria: ACMG Guidelines, 2015. Collection method: research. Allele origin: unknown. Affected: yes. Observed: 1 compound heterozygote. Study: ThromboGenomics.

ISTH-SSC Genomics in Thrombosis and Hemostasis, KU Leuven, Center for Molecular and Vascular Biology
Classification: Likely pathogenic for Gray platelet syndrome. Review status: no assertion criteria provided. Collection method: research. Allele origin: unknown. Affected: yes. Not counted in ClinVar's aggregate classification.
Comment: Submitted to GoldVariant by Dr Marie-Christine Morel-Kopp from Northern Blood Research Centre, Sydney, Australia

Literature cited by the submitters: PubMed 31064749 (cited by NIHR Bioresource Rare Diseases, University of Cambridge).

NM_015175.3(NBEAL2):c.1860del (p.Ala621fs)

Gene: NBEAL2 (neurobeachin like 2; plus strand). Cytogenetic location: 3p21.31.
Variant type: Deletion.
Coding change: c.1860del on transcript NM_015175.3 (MANE Select); coding-DNA position 1860, one base deleted (T; older notation c.1860delT).
Protein change: p.Ala621fs; shifts the reading frame from alanine 621.
Molecular consequence: frameshift variant.
Genome position (GRCh38, 1-based): chr3:46,995,595, T deleted. VCF-style (leftmost placement, unchanged base first): chr3-46995594-CT-C. GRCh37 (hg19) VCF-style: chr3-47037084-CT-C.
Other names: c.1758del, p.Ala587fs (NM_001365116.2); c.1860delT (NM_015175.2); short protein forms A621fs, A587fs.
Identifiers: ClinVar variation 627267 (VCV000627267.3), dbSNP rs1235183015, ClinGen allele CA543042147.